The following is an entry in ClinVar:

ClinVar aggregate classification (germline): Uncertain significance (1 of 4 stars; one submission).

Submission:

Ambry Genetics
Classification: Uncertain significance. Last evaluated: 2026-07-30. Review status: criteria provided, single submitter. Criteria: Ambry Variant Classification Scheme 2023. Collection method: clinical testing. Allele origin: germline.
Comment: The c.2263dupG variant, located in coding exon 12 of the ATRIP gene, results from a duplication of G at nucleotide position 2263, causing a translational frameshift with a predicted alternate stop codon (p.V755Gfs*10). The evidence for this gene-disease relationship is limited; therefore, the clinical significance of this variant is unclear.

NM_130384.3(ATRIP):c.2263dup (p.Val755fs)

Genes: ATRIP (ATR interacting protein; plus strand), ATRIP-TREX1 (ATRIP-TREX1 readthrough; plus strand). Cytogenetic location: 3p21.31.
Variant type: Duplication.
Coding change: c.2263dup on transcript NM_130384.3 (MANE Select); coding-DNA position 2263, one base duplicated (G; older notation c.2263dupG).
Protein change: p.Val755fs; shifts the reading frame from valine 755.
Molecular consequence: frameshift variant. On other transcripts: non-coding transcript variant (1).
Genome position (GRCh38, 1-based): chr3:48,465,038, G duplicated; the last of 5 consecutive G bases (chr3:48,465,034-48,465,038); duplicating any one gives the same sequence. VCF-style (leftmost placement, unchanged base first): chr3-48465033-C-CG. GRCh37 (hg19) VCF-style: chr3-48506432-C-CG.
Other names: c.1882dup, p.Val628fs (NM_001271022.2); c.1984dup, p.Val662fs (NM_001271023.2); c.2182dup, p.Val728fs (NM_032166.4); short protein forms V728fs, V755fs, V628fs, V662fs.
Identifiers: ClinVar variation 3809824 (VCV003809824.2).